The following is an entry in ClinVar:

ClinVar aggregate classification (germline): Benign. Review status: criteria provided, multiple submitters, no conflicts (2 of 4 stars). 7 submissions from 7 submitters: Benign (5). 2 of the submissions do not count toward it. Last evaluated 2025-04-14.

Allele frequency attached by ClinVar (database versions not stated): gnomAD exomes 0.00228 and 0.00087; ExAC 0.00307; ESP Exome Variant Server 0.00977; 1000 Genomes Project 0.01018; 1000 Genomes Project 30x 0.01031; gnomAD 0.00901 and 0.00966; TOPMed 0.01042.
gnomAD v4.1: 2,726 of 1,612,774 alleles (0.17%); highest among the groups gnomAD compares: African/African-American, 3.2%; 48 homozygotes.

Submissions (7):

ARUP Laboratories, Molecular Genetics and Genomics, ARUP Laboratories
Classification: Benign. Last evaluated: 2025-04-14. Review status: criteria provided, single submitter. Criteria: ARUP Molecular Germline Variant Investigation Process 2024. Collection method: clinical testing. Allele origin: germline.

Molecular Diagnostic Laboratory for Inherited Cardiovascular Disease, Montreal Heart Institute
Classification: Benign. Last evaluated: 2025-04-09. Review status: criteria provided, single submitter. Criteria: ACMG Guidelines, 2015. Collection method: clinical testing. Allele origin: germline. Affected: no.

GeneDx
Classification: Benign. Last evaluated: 2014-11-07. Review status: criteria provided, single submitter. Criteria: GeneDx Variant Classification (06012015). Collection method: clinical testing. Allele origin: germline. Affected: yes.
Comment: This variant is considered likely benign or benign based on one or more of the following criteria: it is a conservative change, it occurs at a poorly conserved position in the protein, it is predicted to be benign by multiple in silico algorithms, and/or has population frequency not consistent with disease.

Laboratory for Molecular Medicine, Mass General Brigham Personalized Medicine
Classification: Benign. Last evaluated: 2012-03-16. Review status: criteria provided, single submitter. Criteria: LMM Criteria. Collection method: clinical testing. Allele origin: germline. Observed: 5 variant alleles.
Comment: Asp5550Asp in exon 45A of TTN: This variant is not expected to have clinical sig nificance because it does not alter an amino acid residue, is not located within the splice consensus sequence, and has been identified in 2.9% (110/3738) of Af rican American chromosomes from a broad population by the NHLBI Exome Sequencing Project (dbSNP rs16866488).

Breakthrough Genomics
Classification: Benign. Review status: criteria provided, single submitter. Criteria: ACMG Guidelines, 2015. Collection method: not provided. Allele origin: germline. Inheritance: Autosomal recessive inheritance. Affected: yes.

Clinical Genetics, Academic Medical Center
Classification: Benign. Review status: no assertion criteria provided. Collection method: clinical testing. Allele origin: germline. Affected: yes. Study: VKGL Data-share Consensus. Not counted in ClinVar's aggregate classification.

Joint Genome Diagnostic Labs from Nijmegen and Maastricht, Radboudumc and MUMC+
Classification: Benign. Review status: no assertion criteria provided. Collection method: clinical testing. Allele origin: germline. Affected: yes. Study: VKGL Data-share Consensus. Not counted in ClinVar's aggregate classification.

NM_133379.5(TTN):c.16650T>C (p.Asp5550=)

Gene: TTN (titin; minus strand). Cytogenetic location: 2q31.2.
Variant type: single nucleotide variant.
Coding change: c.16650T>C on transcript NM_133379.5; coding-DNA position 16650, T replaced by C.
Protein change: p.Asp5550=; no amino-acid change (aspartic acid 5550 retained).
Molecular consequence: synonymous variant. On other transcripts: intron variant (6).
Genome position (GRCh38, 1-based): chr2:178,745,750, A>G on the plus strand (T>C on the coding strand, the complement: TTN is on the minus strand). VCF-style: chr2-178745750-A-G. GRCh37 (hg19) VCF-style: chr2-179610477-A-G.
Other names: p.D5550D:GAT>GAC; c.10360+7374T>C (NM_133378.4); c.10361-3829T>C (NM_001256850.1); c.10223-3829T>C (NM_003319.4); c.10799-3829T>C (NM_133437.4); c.10598-3829T>C (NM_133432.3); c.11312-3829T>C (NM_001267550.2); c.16650T>C (NM_133379.4).
Identifiers: ClinVar variation 47804 (VCV000047804.23), dbSNP rs16866488, ClinGen allele CA284503.
Genomic context (GRCh38, chr2:178,745,750, plus strand): 5'-GTTATGGAACCCTGTGCCACTTTCCTCAACAGTGAACCTTCTTCCTTGGACTAATTTTCC[A>G]TCTTTGTACCAGTAAACCGTGGGTCTTGGAGAGCCACGAACTAAGCACTGAAAATATGCT-3'